The following is an entry in ClinVar:

NM_020987.5(ANK3):c.6821A>G (p.His2274Arg)

Genes: ANK3 (ankyrin 3; minus strand), LOC130003862 (ATAC-STARR-seq lymphoblastoid active region 3393; plus strand). Cytogenetic location: 10q21.2.
Variant type: single nucleotide variant.
Coding change: c.6821A>G on transcript NM_020987.5 (MANE Select); coding-DNA position 6821, A replaced by G.
Protein change: p.His2274Arg; replaces histidine 2274 with arginine.
Molecular consequence: missense variant. On other transcripts: intron variant (4).
Genome position (GRCh38, 1-based): chr10:60,074,060, T>C on the plus strand (A>G on the coding strand, the complement: ANK3 is on the minus strand). VCF-style: chr10-60074060-T-C. GRCh37 (hg19) VCF-style: chr10-61833818-T-C.
Other names: c.4388-6051A>G (NM_001204403.2); c.4409-6051A>G (NM_001204404.2); c.4406-6051A>G (NM_001320874.2); c.1808-6051A>G (NM_001149.4); c.6821A>G (NM_020987.3); short protein forms H2274R.
Identifiers: ClinVar variation 2044162 (VCV002044162.4), dbSNP rs372734784, ClinGen allele CA5511806.

ClinVar aggregate classification (germline): Uncertain significance. Review status: criteria provided, multiple submitters, no conflicts (2 of 4 stars). 2 submissions from 2 submitters: Uncertain significance (2). Last evaluated 2023-07-30.

Conditions:
Inborn genetic diseases. Identifiers: MedGen C0950123, MeSH D030342.

Allele frequency attached by ClinVar (database versions not stated): TOPMed below 0.00001; ExAC 0.00001; gnomAD exomes 0.00001; ESP Exome Variant Server 0.00008.
gnomAD v4.1: 3 of 1,614,124 alleles (0.00019%); highest among the groups gnomAD compares: African/African-American, 0.0013%; no homozygotes.

Submissions (2):

Ambry Genetics
Classification: Uncertain significance for Inborn genetic diseases. Last evaluated: 2023-07-30. Review status: criteria provided, single submitter. Criteria: Ambry Variant Classification Scheme 2023. Collection method: clinical testing. Allele origin: germline.

Labcorp Genetics (formerly Invitae), Labcorp
Classification: Uncertain significance. Last evaluated: 2023-05-22. Review status: criteria provided, single submitter. Criteria: Invitae Variant Classification Sherloc (09022015). Collection method: clinical testing. Allele origin: germline.
Comment: Advanced modeling of protein sequence and biophysical properties (such as structural, functional, and spatial information, amino acid conservation, physicochemical variation, residue mobility, and thermodynamic stability) performed at Invitae indicates that this missense variant is not expected to disrupt ANK3 protein function. This sequence change replaces histidine, which is basic and polar, with arginine, which is basic and polar, at codon 2274 of the ANK3 protein (p.His2274Arg). This variant is present in population databases (rs372734784, gnomAD 0.007%). This variant has not been reported in the literature in individuals affected with ANK3-related conditions. ClinVar contains an entry for this variant (Variation ID: 2044162). In summary, the available evidence is currently insufficient to determine the role of this variant in disease. Therefore, it has been classified as a Variant of Uncertain Significance.